The following is an entry in ClinVar:

ClinVar aggregate classification (germline): Likely benign. Review status: criteria provided, multiple submitters, no conflicts (2 of 4 stars). 3 submissions from 3 submitters: Likely benign (3). Last evaluated 2026-05-03.

Conditions:
ABCA4-related disorder. Also called: ABCA4-related disorders; ABCA4-related condition. Identifiers: MedGen CN239167.

Allele frequency attached by ClinVar (database versions not stated): ExAC 0.00002; gnomAD exomes 0.00003 and 0.00010; gnomAD 0.00005 and 0.00006; TOPMed 0.00005.
gnomAD v4.1: 154 of 1,612,576 alleles (0.0095%); highest among the groups gnomAD compares: Non-Finnish European, 0.012%; no homozygotes.

Submissions (3):

PreventionGenetics, part of Exact Sciences
Classification: Likely benign for ABCA4-related condition. Last evaluated: 2026-05-03. Review status: criteria provided, single submitter. Criteria: ACMG Guidelines, 2015. Collection method: clinical testing. Allele origin: germline.
Comment: This variant is classified as likely benign based on ACMG/AMP sequence variant interpretation guidelines (Richards et al. 2015 PMID: 25741868, with internal and published modifications).

Blueprint Genetics
Classification: Likely benign. Last evaluated: 2024-05-20. Review status: criteria provided, single submitter. Criteria: ACMG Guidelines, 2015. Collection method: clinical testing. Allele origin: germline.

Labcorp Genetics (formerly Invitae), Labcorp
Classification: Likely benign. Last evaluated: 2023-12-26. Review status: criteria provided, single submitter. Criteria: Invitae Variant Classification Sherloc (09022015). Collection method: clinical testing. Allele origin: germline.

NM_000350.3(ABCA4):c.4540-6C>T

Gene: ABCA4 (ATP binding cassette subfamily A member 4; minus strand). Cytogenetic location: 1p22.1.
Variant type: single nucleotide variant.
Coding change: c.4540-6C>T on transcript NM_000350.3 (MANE Select); 6 bases into the intron before coding-DNA position 4540, C replaced by T.
Molecular consequence: intron variant.
Genome position (GRCh38, 1-based): chr1:94,025,054, G>A on the plus strand (C>T on the coding strand, the complement: ABCA4 is on the minus strand). VCF-style: chr1-94025054-G-A. GRCh37 (hg19) VCF-style: chr1-94490610-G-A.
Other names: c.4540-6C>T (NM_000350.2).
Identifiers: ClinVar variation 1115954 (VCV001115954.11), dbSNP rs765178838, ClinGen allele CA957564.